The following is an entry in ClinVar:

ClinVar aggregate classification (germline): Likely benign (1 of 4 stars; one submission).

Submission:

CeGaT Center for Human Genetics Tuebingen
Classification: Likely benign. Last evaluated: 2026-01-01. Review status: criteria provided, single submitter. Criteria: CeGaT Center For Human Genetics Tuebingen Variant Classification Criteria Version 2. Collection method: clinical testing. Allele origin: germline. Affected: yes. Observed: 1 variant allele.
Comment: CCDC57: PM2:Supporting, BP4, BP7

NM_001394669.1(CCDC57):c.2823C>A (p.Thr941=)

Gene: CCDC57 (coiled-coil domain containing 57; minus strand). Cytogenetic location: 17q25.3.
Variant type: single nucleotide variant.
Coding change: c.2823C>A on transcript NM_001394669.1 (MANE Select); coding-DNA position 2823, C replaced by A.
Protein change: p.Thr941=; no amino-acid change (threonine 941 retained).
Molecular consequence: synonymous variant.
Genome position (GRCh38, 1-based): chr17:82,127,768, G>T on the plus strand (C>A on the coding strand, the complement: CCDC57 is on the minus strand). VCF-style: chr17-82127768-G-T. GRCh37 (hg19) VCF-style: chr17-80085644-G-T.
Other names: c.1347C>A, p.Thr449= (NM_001367828.2); c.2823C>A, p.Thr941= (NM_001394670.1); c.2487C>A, p.Thr829= (NM_198082.4).
Identifiers: ClinVar variation 4823041 (VCV004823041.4).